The following is an entry in ClinVar:

ClinVar aggregate classification (germline): Uncertain significance (1 of 4 stars; one submission).

Conditions:
Cardiovascular phenotype. Identifiers: MedGen CN230736.

Submission:

Ambry Genetics
Classification: Uncertain significance for Cardiovascular phenotype. Last evaluated: 2019-11-06. Review status: criteria provided, single submitter. Criteria: Ambry Variant Classification Scheme 2023. Collection method: clinical testing. Allele origin: germline.
Comment: The p.E594K variant (also known as c.1780G>A), located in coding exon 13 of the CACNB2 gene, results from a G to A substitution at nucleotide position 1780. The glutamic acid at codon 594 is replaced by lysine, an amino acid with similar properties. This amino acid position is not well conserved in available vertebrate species. In addition, the in silico prediction for this alteration is inconclusive. Since supporting evidence is limited at this time, the clinical significance of this alteration remains unclear.

NM_201596.3(CACNB2):c.1942G>A (p.Glu648Lys)

Gene: CACNB2 (calcium voltage-gated channel auxiliary subunit beta 2; plus strand). Cytogenetic location: 10p12.31.
Variant type: single nucleotide variant.
Coding change: c.1942G>A on transcript NM_201596.3 (MANE Select); coding-DNA position 1942, G replaced by A.
Protein change: p.Glu648Lys; replaces glutamic acid 648 with lysine.
Molecular consequence: missense variant.
Genome position (GRCh38, 1-based): chr10:18,539,683, G>A. VCF-style: chr10-18539683-G-A. GRCh37 (hg19) VCF-style: chr10-18828612-G-A.
Other names: c.1777G>A, p.Glu593Lys (NM_000724.4); c.1744G>A, p.Glu582Lys (NM_001167945.2); c.1663G>A, p.Glu555Lys (NM_001330060.2); c.1684G>A, p.Glu562Lys (NM_001410882.1); c.1798G>A, p.Glu600Lys (NM_201570.3); c.1858G>A, p.Glu620Lys (NM_201571.4); c.1786G>A, p.Glu596Lys (NM_201572.4); c.1780G>A, p.Glu594Lys (NM_201590.3); and 2 more; short protein forms E582K, E593K, E596K, E594K, E610K, E555K, E600K, E648K.
Identifiers: ClinVar variation 1779988 (VCV001779988.2), dbSNP rs1554843249, ClinGen allele CA376072871.